The following is an entry in ClinVar:

ClinVar aggregate classification (germline): Uncertain significance (1 of 4 stars; one submission).

Submission:

GeneDx
Classification: Uncertain significance. Last evaluated: 2024-09-09. Review status: criteria provided, single submitter. Criteria: GeneDx Variant Classification Process June 2021. Collection method: clinical testing. Allele origin: germline. Affected: yes.
Comment: Not observed at significant frequency in large population cohorts (gnomAD); In silico analysis supports that this missense variant has a deleterious effect on protein structure/function; Has not been previously published as pathogenic or benign to our knowledge

NM_000828.5(GRIA3):c.2368C>T (p.Leu790Phe)

Gene: GRIA3 (glutamate ionotropic receptor AMPA type subunit 3; plus strand). Cytogenetic location: Xq25.
Variant type: single nucleotide variant.
Coding change: c.2368C>T on transcript NM_000828.5 (MANE Plus Clinical); coding-DNA position 2368, C replaced by T.
Protein change: p.Leu790Phe; replaces leucine 790 with phenylalanine.
Molecular consequence: missense variant. On other transcripts: intron variant (1).
Genome position (GRCh38, 1-based): chrX:123,465,717, C>T. VCF-style: chrX-123465717-C-T. GRCh37 (hg19) VCF-style: chrX-122599568-C-T.
Other names: c.2324+605C>T (NM_007325.5); short protein forms L790F.
Identifiers: ClinVar variation 3767525 (VCV003767525.1).